The following is an entry in ClinVar:

NM_006231.4(POLE):c.1432A>G (p.Ile478Val)

Gene: POLE (DNA polymerase epsilon, catalytic subunit; minus strand). Cytogenetic location: 12q24.33.
Variant type: single nucleotide variant.
Coding change: c.1432A>G on transcript NM_006231.4 (MANE Select); coding-DNA position 1432, A replaced by G.
Protein change: p.Ile478Val; replaces isoleucine 478 with valine.
Molecular consequence: missense variant.
Genome position (GRCh38, 1-based): chr12:132,673,205, T>C on the plus strand (A>G on the coding strand, the complement: POLE is on the minus strand). VCF-style: chr12-132673205-T-C. GRCh37 (hg19) VCF-style: chr12-133249791-T-C.
Other names: short protein forms I478V.
Identifiers: ClinVar variation 819199 (VCV000819199.16), dbSNP rs1195703002, ClinGen allele CA387358325.

ClinVar aggregate classification (germline): Uncertain significance. Review status: criteria provided, multiple submitters, no conflicts (2 of 4 stars). 2 submissions from 2 submitters: Uncertain significance (2). Last evaluated 2026-01-14.

Conditions:
Hereditary cancer-predisposing syndrome. Also called: Tumor predisposition; Neoplastic Syndromes, Hereditary; Hereditary Cancer Syndrome; Hereditary neoplastic syndrome. Identifiers: Orphanet 140162, MedGen C0027672, MeSH D009386, MONDO:0015356.

Allele frequency attached by ClinVar (database versions not stated): gnomAD exomes below 0.00001; TOPMed below 0.00001.
gnomAD v4.1: 1 of 1,613,582 alleles (0.000062%); highest among the groups gnomAD compares: Non-Finnish European, 0.000085%; no homozygotes.

Submissions (2):

Ambry Genetics
Classification: Uncertain significance for Hereditary cancer-predisposing syndrome. Last evaluated: 2026-01-14. Review status: criteria provided, single submitter. Criteria: Ambry Variant Classification Scheme 2023. Collection method: clinical testing. Allele origin: germline.
Comment: The p.I478V variant (also known as c.1432A>G), located in coding exon 14 of the POLE gene, results from an A to G substitution at nucleotide position 1432. The isoleucine at codon 478 is replaced by valine, an amino acid with highly similar properties. This amino acid position is highly conserved in available vertebrate species. In addition, this alteration is predicted to be tolerated by in silico analysis. Based on the available evidence, the clinical significance of this variant remains unclear.

Labcorp Genetics (formerly Invitae), Labcorp
Classification: Uncertain significance. Last evaluated: 2022-10-19. Review status: criteria provided, single submitter. Criteria: Invitae Variant Classification Sherloc (09022015). Collection method: clinical testing. Allele origin: germline.
Comment: This sequence change replaces isoleucine, which is neutral and non-polar, with valine, which is neutral and non-polar, at codon 478 of the POLE protein (p.Ile478Val). This variant is not present in population databases (gnomAD no frequency). This variant has not been reported in the literature in individuals affected with POLE-related conditions. ClinVar contains an entry for this variant (Variation ID: 819199). Advanced modeling of protein sequence and biophysical properties (such as structural, functional, and spatial information, amino acid conservation, physicochemical variation, residue mobility, and thermodynamic stability) performed at Invitae indicates that this missense variant is not expected to disrupt POLE protein function. In summary, the available evidence is currently insufficient to determine the role of this variant in disease. Therefore, it has been classified as a Variant of Uncertain Significance.